The following is an entry in ClinVar:

NM_001101362.3(KBTBD13):c.23T>C (p.Leu8Pro)

Gene: KBTBD13 (kelch repeat and BTB domain containing 13; plus strand). Cytogenetic location: 15q22.31.
Variant type: single nucleotide variant.
Coding change: c.23T>C on transcript NM_001101362.3 (MANE Select); coding-DNA position 23, T replaced by C.
Protein change: p.Leu8Pro; replaces leucine 8 with proline.
Molecular consequence: missense variant.
Genome position (GRCh38, 1-based): chr15:65,076,838, T>C. VCF-style: chr15-65076838-T-C. GRCh37 (hg19) VCF-style: chr15-65369176-T-C.
Other names: short protein forms L8P.
Identifiers: ClinVar variation 2140881 (VCV002140881.6), dbSNP rs755992942, ClinGen allele CA7613838.
Genomic context (GRCh38, chr15:65,076,838, plus strand): 5'-CAAGGCCCCAGCGGCAGCCTCCGCCCGGCCAGCTCGCCATGGCACGGGGTCCACAGACCC[T>C]GGTGCAGGTGTGGGTGGGCGGCCAGCTCTTCCAAGCCGACCGCGCCCTGCTGGTGGAGCA-3'
Protein context (NP_001094832.1, residues 1-18): MARGPQT[Leu8Pro]VQVWVGGQLF

ClinVar aggregate classification (germline): Conflicting classifications of pathogenicity. Review status: criteria provided, conflicting classifications (1 of 4 stars). 3 submissions from 3 submitters: Uncertain significance (2); Likely benign (1). Last evaluated 2025-05-30.

Conditions:
Nemaline myopathy 6 (NEM6). Also called: Nemaline myopathy 6, autosomal dominant. Identifiers: Orphanet 171439, MedGen C1836472, MONDO:0012237, OMIM 609273.
Inborn genetic diseases. Identifiers: MedGen C0950123, MeSH D030342.

Allele frequency attached by ClinVar (database versions not stated): gnomAD 0.00003; ExAC 0.00006.
gnomAD v4.1: 29 of 1,552,870 alleles (0.0019%); highest among the groups gnomAD compares: African/African-American, 0.0054%; no homozygotes.

Submissions (3):

Ambry Genetics
Classification: Likely benign for Inborn genetic diseases. Last evaluated: 2025-05-30. Review status: criteria provided, single submitter. Criteria: Ambry Variant Classification Scheme 2023. Collection method: clinical testing. Allele origin: germline.

GeneDx
Classification: Uncertain significance. Last evaluated: 2024-01-04. Review status: criteria provided, single submitter. Criteria: GeneDx Variant Classification Process June 2021. Collection method: clinical testing. Allele origin: germline. Affected: yes.
Comment: In silico analysis supports that this missense variant does not alter protein structure/function; Has not been previously published as pathogenic or benign to our knowledge

Labcorp Genetics (formerly Invitae), Labcorp
Classification: Uncertain significance for Nemaline myopathy 6. Last evaluated: 2022-05-23. Review status: criteria provided, single submitter. Criteria: Invitae Variant Classification Sherloc (09022015). Collection method: clinical testing. Allele origin: germline.
Comment: In summary, the available evidence is currently insufficient to determine the role of this variant in disease. Therefore, it has been classified as a Variant of Uncertain Significance. Algorithms developed to predict the effect of missense changes on protein structure and function output the following: SIFT: "Tolerated"; PolyPhen-2: "Benign"; Align-GVGD: "Class C0". The proline amino acid residue is found in multiple mammalian species, which suggests that this missense change does not adversely affect protein function. This variant has not been reported in the literature in individuals affected with KBTBD13-related conditions. The frequency data for this variant in the population databases is considered unreliable, as metrics indicate poor data quality at this position in the gnomAD database. This sequence change replaces leucine, which is neutral and non-polar, with proline, which is neutral and non-polar, at codon 8 of the KBTBD13 protein (p.Leu8Pro).